The following is an entry in ClinVar:

ClinVar aggregate classification (germline): Conflicting classifications of pathogenicity. Review status: criteria provided, conflicting classifications (1 of 4 stars). 3 submissions from 3 submitters: Likely pathogenic (1); Uncertain significance (2). Last evaluated 2022-10-17.

Conditions:
X-linked Alport syndrome (ATS1). Also called: COL4A5-Related Nephropathy; NEPHROPATHY AND DEAFNESS, X-LINKED. Identifiers: Orphanet 63, Orphanet 88917, MedGen C4746986, MONDO:0010520, OMIM 301050.

Submissions (3):

Labcorp Genetics (formerly Invitae), Labcorp
Classification: Uncertain significance. Last evaluated: 2022-10-17. Review status: criteria provided, single submitter. Criteria: Invitae Variant Classification Sherloc (09022015). Collection method: clinical testing. Allele origin: germline.
Comment: This variant has not been reported in the literature in individuals affected with COL4A5-related conditions. This variant is not present in population databases (gnomAD no frequency). This sequence change falls in intron 23 of the COL4A5 gene. It does not directly change the encoded amino acid sequence of the COL4A5 protein. In summary, the available evidence is currently insufficient to determine the role of this variant in disease. Therefore, it has been classified as a Variant of Uncertain Significance. Algorithms developed to predict the effect of sequence changes on RNA splicing suggest that this variant may disrupt the consensus splice site. ClinVar contains an entry for this variant (Variation ID: 804072).

3billion
Classification: Uncertain significance for X-linked Alport syndrome. Last evaluated: 2022-01-03. Review status: criteria provided, single submitter. Criteria: ACMG Guidelines, 2015. Collection method: clinical testing. Allele origin: germline. Affected: yes. Observed: 1 hemizygote.
Comment: The variant has been reported to be associated with COL4A5 related disorder (ClinVar ID: VCV000804072).It is not observed in the gnomAD v2.1.1 dataset (PM2_M). Therefore, this variant is classified as uncertain significance according to the recommendation of ACMG/AMP guideline.

Mendelics
Classification: Likely pathogenic for X-linked Alport syndrome. Last evaluated: 2019-05-28. Review status: criteria provided, single submitter. Criteria: Mendelics Assertion Criteria 2017. Collection method: clinical testing. Allele origin: unknown.

NM_033380.3(COL4A5):c.1588-10C>G

Gene: COL4A5 (collagen type IV alpha 5 chain; plus strand). Cytogenetic location: Xq22.3.
Variant type: single nucleotide variant.
Coding change: c.1588-10C>G on transcript NM_033380.3 (MANE Select); 10 bases into the intron before coding-DNA position 1588, C replaced by G.
Molecular consequence: intron variant.
Genome position (GRCh38, 1-based): chrX:108,597,367, C>G. VCF-style: chrX-108597367-C-G. GRCh37 (hg19) VCF-style: chrX-107840597-C-G.
Other names: c.1588-10C>G (NM_000495.5).
Identifiers: ClinVar variation 804072 (VCV000804072.8), dbSNP rs1603290097, ClinGen allele CA915951329.